The following is an entry in ClinVar:

NM_007294.4(BRCA1):c.2527del (p.Thr843fs)

Gene: BRCA1 (BRCA1 DNA repair associated; minus strand). Cytogenetic location: 17q21.31.
Variant type: Deletion.
Coding change: c.2527del on transcript NM_007294.4 (MANE Select); coding-DNA position 2527, one base deleted (A; older notation c.2527delA).
Protein change: p.Thr843fs; shifts the reading frame from threonine 843.
Molecular consequence: frameshift variant. On other transcripts: intron variant (137).
Genome position (GRCh38, 1-based): chr17:43,093,004, T deleted on the plus strand (A on the coding strand, the reverse complement: BRCA1 is on the minus strand); the first of 3 consecutive T bases (chr17:43,093,004-43,093,006); deleting any one gives the same sequence. VCF-style (leftmost placement, unchanged base first): chr17-43093003-GT-G. GRCh37 (hg19) VCF-style: chr17-41245020-GT-G.
Other names: c.2527delA (NM_007294.3); c.2314del, p.Thr772fs (NM_001407571.1, NM_001407853.1, NM_001407894.1 and 9 more transcripts); c.2527del, p.Thr843fs (NM_001407581.1, NM_001407582.1, NM_001407583.1 and 30 more transcripts); c.2524del, p.Thr842fs (NM_001407587.1, NM_001407590.1, NM_001407591.1 and 22 more transcripts); c.2518del, p.Thr840fs (NM_001407646.1, NM_001407647.1); c.2404del, p.Thr802fs (NM_001407648.1, NM_001407664.1, NM_001407665.1 and 19 more transcripts); c.2401del, p.Thr801fs (NM_001407649.1, NM_001407670.1, NM_001407671.1 and 11 more transcripts); c.2449del, p.Thr817fs (NM_001407653.1, NM_001407654.1, NM_001407655.1 and 4 more transcripts); and 42 more; short protein forms T843fs, T796fs, T716fs, T731fs, T775fs, T776fs, T795fs, T842fs.
Identifiers: ClinVar variation 427237 (VCV000427237.2), dbSNP rs1085308034, ClinGen allele CA645294097.

ClinVar aggregate classification (germline): Pathogenic. Review status: reviewed by expert panel (3 of 4 stars). 2 submissions from 2 submitters: Pathogenic (1). 1 of the submissions does not count toward it. Last evaluated 2017-12-15.

Conditions:
Breast-ovarian cancer, familial, susceptibility to, 1 (BROVCA1). Also called: BRCA1 Hereditary Breast and Ovarian Cancer; OVARIAN CANCER, SUSCEPTIBILITY TO. Identifiers: Orphanet 145, MedGen C2676676, MONDO:0011450, OMIM 604370. Disease mechanism: loss of function.

Submissions (2):

Evidence-based Network for the Interpretation of Germline Mutant Alleles (ENIGMA)
Classification: Pathogenic for Breast-ovarian cancer, familial, susceptibility to, 1. Last evaluated: 2017-12-15. Review status: reviewed by expert panel. Criteria: ENIGMA BRCA1/2 Classification Criteria (2017-06-29). Collection method: curation. Allele origin: germline. Study: ENIGMA.
Comment: Variant allele predicted to encode a truncated non-functional protein.

Genologica Medica
Classification: Pathogenic for Breast-ovarian cancer, familial, susceptibility to, 1. Last evaluated: 2017-01-01. Review status: criteria provided, single submitter. Criteria: ACMG Guidelines, 2015. Collection method: clinical testing. Allele origin: germline. Affected: yes. Not counted in ClinVar's aggregate classification.